The following is an entry in ClinVar:

ClinVar aggregate classification (germline): Uncertain significance (1 of 4 stars; one submission).

Submission:

GeneDx
Classification: Uncertain significance. Last evaluated: 2022-09-27. Review status: criteria provided, single submitter. Criteria: GeneDx Variant Classification Process June 2021. Collection method: clinical testing. Allele origin: germline. Affected: yes.
Comment: Not observed at significant frequency in large population cohorts (gnomAD); In silico analysis supports that this missense variant has a deleterious effect on protein structure/function; Has not been previously published as pathogenic or benign to our knowledge

NM_001220.5(CAMK2B):c.1175A>C (p.Lys392Thr)

Gene: CAMK2B (calcium/calmodulin dependent protein kinase II beta; minus strand). Cytogenetic location: 7p13.
Variant type: single nucleotide variant.
Coding change: c.1175A>C on transcript NM_001220.5 (MANE Select); coding-DNA position 1175, A replaced by C.
Protein change: p.Lys392Thr; replaces lysine 392 with threonine.
Molecular consequence: missense variant. On other transcripts: intron variant (3).
Genome position (GRCh38, 1-based): chr7:44,232,823, T>G on the plus strand (A>C on the coding strand, the complement: CAMK2B is on the minus strand). VCF-style: chr7-44232823-T-G. GRCh37 (hg19) VCF-style: chr7-44272422-T-G.
Other names: c.1175A>C, p.Lys392Thr (NM_001293170.2, NM_172078.3); c.1103A>C, p.Lys368Thr (NM_172079.3, NM_172082.3); c.1100A>C, p.Lys367Thr (NM_172080.3); c.946+7884A>C (NM_172084.3); c.988-1769A>C (NM_172083.3); c.1059+1567A>C (NM_172081.3); short protein forms K367T, K368T, K392T.
Identifiers: ClinVar variation 2446344 (VCV002446344.1), dbSNP rs2485597529, ClinGen allele CA367376169.